The following is an entry in ClinVar:

NM_001267550.2(TTN):c.77329A>G (p.Lys25777Glu)

Genes: TTN (titin; minus strand), TTN-AS1 (TTN antisense RNA 1; plus strand). Cytogenetic location: 2q31.2.
Variant type: single nucleotide variant.
Coding change: c.77329A>G on transcript NM_001267550.2 (MANE Select); coding-DNA position 77329, A replaced by G.
Protein change: p.Lys25777Glu; replaces lysine 25777 with glutamic acid.
Molecular consequence: missense variant.
Genome position (GRCh38, 1-based): chr2:178,568,803, T>C on the plus strand (A>G on the coding strand, the complement: TTN is on the minus strand). VCF-style: chr2-178568803-T-C. GRCh37 (hg19) VCF-style: chr2-179433530-T-C.
Other names: p.K24136E:AAG>GAG; c.72406A>G, p.Lys24136Glu (NM_001256850.1); c.50134A>G, p.Lys16712Glu (NM_003319.4); c.69625A>G, p.Lys23209Glu (NM_133378.4); c.50509A>G, p.Lys16837Glu (NM_133432.3); c.50710A>G, p.Lys16904Glu (NM_133437.4); short protein forms K24136E, K25777E, K23209E, K16712E, K16837E, K16904E.
Identifiers: ClinVar variation 202877 (VCV000202877.7), dbSNP rs778484596, ClinGen allele CA310563.
Genomic context (GRCh38, chr2:178,568,803, plus strand): 5'-CAATTACCAGATCTTTGGCAACTATTGGAACTGCAAGGGACCGAGGATCACTTCTCCCCT[T>C]TTCATTTACAGCAACAACTCTAAAAAGATATTCTTCCCCTTGAGTTAGGTTGGTAATTAC-3'
Protein context (NP_001254479.2, residues 25767-25787): YLFRVVAVNE[Lys25777Glu]GRSDPRSLAV

ClinVar aggregate classification (germline): Uncertain significance. Review status: criteria provided, multiple submitters, no conflicts (2 of 4 stars). 3 submissions from 3 submitters: Uncertain significance (3). Last evaluated 2021-10-08.

Conditions:
Myopathy, myofibrillar, 9, with early respiratory failure (MFM9). Also called: EDSTROM MYOPATHY; MYOPATHY, PROXIMAL, WITH EARLY RESPIRATORY MUSCLE INVOLVEMENT; Myopathy, distal, with early respiratory failure, autosomal dominant; Hereditary myopathy with early respiratory failure. Identifiers: Orphanet 178464, Orphanet 34521, MedGen C1863599, MONDO:0011362, OMIM 603689.
Early-onset myopathy with fatal cardiomyopathy (CMYO5). Also called: CONGENITAL MYOPATHY 5 WITH CARDIOMYOPATHY; Salih Myopathy. Identifiers: Orphanet 289377, MedGen C2673677, MONDO:0012714, OMIM 611705. Disease mechanism: loss of function.
Hypertrophic cardiomyopathy 9. Also called: Familial hypertrophic cardiomyopathy 9. Identifiers: MedGen C1861065, MONDO:0013412, OMIM 613765.
Dilated cardiomyopathy 1G (CMD1G). Identifiers: Orphanet 154, MedGen C1858763, MONDO:0011400, OMIM 604145.
Tibial muscular dystrophy (TMD). Also called: UDD MYOPATHY; Tibial muscular dystrophy, tardive; Udd Distal Myopathy – Tibial Muscular Dystrophy. Identifiers: Orphanet 609, MedGen C1838244, MONDO:0010870, OMIM 600334.
Autosomal recessive limb-girdle muscular dystrophy type 2J (LGMDR10). Also called: MUSCULAR DYSTROPHY, LIMB-GIRDLE, AUTOSOMAL RECESSIVE 10; Limb-girdle muscular dystrophy, type 2J. Identifiers: Orphanet 140922, MedGen C1837342, MONDO:0012127, OMIM 608807.

Allele frequency attached by ClinVar (database versions not stated): gnomAD exomes below 0.00001 and 0.00008; ExAC 0.00001; gnomAD 0.00001.
gnomAD v4.1: 110 of 1,613,126 alleles (0.0068%); highest among the groups gnomAD compares: Non-Finnish European, 0.0091%; no homozygotes.

Submissions (3):

Fulgent Genetics
Classification: Uncertain significance for Tibial muscular dystrophy; Myopathy, myofibrillar, 9, with early respiratory failure; Dilated cardiomyopathy 1G; Autosomal recessive limb-girdle muscular dystrophy type 2J; Early-onset myopathy with fatal cardiomyopathy; Hypertrophic cardiomyopathy 9. Last evaluated: 2021-10-08. Review status: criteria provided, single submitter. Criteria: ACMG Guidelines, 2015. Collection method: clinical testing. Allele origin: unknown.

Eurofins Ntd Llc (ga)
Classification: Uncertain significance. Last evaluated: 2015-09-10. Review status: criteria provided, single submitter. Criteria: EGL Classification Definitions 2015. Collection method: clinical testing. Allele origin: germline. Observed: 2 variant alleles, 2 heterozygotes.

GeneDx
Classification: Uncertain significance. Last evaluated: 2014-01-30. Review status: criteria provided, single submitter. Criteria: GeneDx Variant Classification (06012015). Collection method: clinical testing. Allele origin: germline. Affected: yes.
Comment: Missense variants in the TTN gene are considered 'unclassified' if they are not previously reported in the literature and do not have >1% frequency in the population to be considered a polymorphism. Research indicates that truncating mutations in the TTN gene are expected to account for approximately 25% of familial and 18% of sporadic idiopathic DCM; however, truncating variants in the TTN gene have been reported in approximately 3% of reported control alleles. There has been little investigation into non-truncating variants. (Herman D et al. Truncations of titin causing dilated cardiomyopathy. N Eng J Med 366:619-628, 2012) The variant is found in DCM-CRDM panel(s).